The following is an entry in ClinVar:

NM_001378454.1(ALMS1):c.10279C>A (p.Pro3427Thr)

Gene: ALMS1 (ALMS1 centrosome and basal body associated protein; plus strand). Cytogenetic location: 2p13.1.
Variant type: single nucleotide variant.
Coding change: c.10279C>A on transcript NM_001378454.1 (MANE Select); coding-DNA position 10279, C replaced by A.
Protein change: p.Pro3427Thr; replaces proline 3427 with threonine.
Molecular consequence: missense variant.
Genome position (GRCh38, 1-based): chr2:73,559,037, C>A. VCF-style: chr2-73559037-C-A. GRCh37 (hg19) VCF-style: chr2-73786164-C-A.
Other names: c.10282C>A, p.Pro3428Thr (NM_015120.4); short protein forms P3428T, P3427T.
Identifiers: ClinVar variation 1524432 (VCV001524432.4), dbSNP rs2104063862, ClinGen allele CA347277947.
Genomic context (GRCh38, chr2:73,559,037, plus strand): 5'-AGTGCTGCTGCTGCTGCAGAGCACTCAGCTCAAGTAGGAGACCCAGAAATGAAGAACTTG[C>A]CAGACACTAAAGCCATTACACAGAAAGAGGAGATCCATAGGAAGAAGACAGTTCCCGAGG-3'
Protein context (NP_001365383.1, residues 3417-3437): QVGDPEMKNL[Pro3427Thr]DTKAITQKEE

ClinVar aggregate classification (germline): Conflicting classifications of pathogenicity. Review status: criteria provided, conflicting classifications (1 of 4 stars). 2 submissions from 2 submitters: Uncertain significance (1); Likely benign (1). Last evaluated 2025-07-03.

Conditions:
Alstrom syndrome (ALMS). Identifiers: Orphanet 64, MedGen C0268425, MONDO:0008763, OMIM 203800.
Cardiovascular phenotype. Identifiers: MedGen CN230736.

Allele frequency attached by ClinVar (database versions not stated): gnomAD exomes 0.00001.
gnomAD v4.1: 3 of 1,613,932 alleles (0.00019%); highest among the groups gnomAD compares: Non-Finnish European, 0.00025%; no homozygotes.

Submissions (2):

Ambry Genetics
Classification: Likely benign for Cardiovascular phenotype. Last evaluated: 2025-07-03. Review status: criteria provided, single submitter. Criteria: Ambry Variant Classification Scheme 2023. Collection method: clinical testing. Allele origin: germline.

Labcorp Genetics (formerly Invitae), Labcorp
Classification: Uncertain significance for Alstrom syndrome. Last evaluated: 2021-04-09. Review status: criteria provided, single submitter. Criteria: Invitae Variant Classification Sherloc (09022015). Collection method: clinical testing. Allele origin: germline.
Comment: This sequence change replaces proline with threonine at codon 3428 of the ALMS1 protein (p.Pro3428Thr). The proline residue is moderately conserved and there is a small physicochemical difference between proline and threonine. This variant is not present in population databases (ExAC no frequency). This variant has not been reported in the literature in individuals with ALMS1-related conditions. Experimental studies and prediction algorithms are not available or were not evaluated, and the functional significance of this variant is currently unknown. In summary, the available evidence is currently insufficient to determine the role of this variant in disease. Therefore, it has been classified as a Variant of Uncertain Significance.